The following is an entry in ClinVar:

NM_005502.4(ABCA1):c.4059G>T (p.Leu1353Phe)

Genes: ABCA1 (ATP binding cassette subfamily A member 1; minus strand), LOC121331340 (Sharpr-MPRA regulatory region 1797; plus strand). Cytogenetic location: 9q31.1.
Variant type: single nucleotide variant.
Coding change: c.4059G>T on transcript NM_005502.4 (MANE Select); coding-DNA position 4059, G replaced by T.
Protein change: p.Leu1353Phe; replaces leucine 1353 with phenylalanine.
Molecular consequence: missense variant.
Genome position (GRCh38, 1-based): chr9:104,810,916, C>A on the plus strand (G>T on the coding strand, the complement: ABCA1 is on the minus strand). VCF-style: chr9-104810916-C-A. GRCh37 (hg19) VCF-style: chr9-107573197-C-A.
Other names: short protein forms L1353F.
Identifiers: ClinVar variation 3935624 (VCV003935624.1).

ClinVar aggregate classification (germline): Uncertain significance (1 of 4 stars; one submission).

Conditions:
Cardiovascular phenotype. Identifiers: MedGen CN230736.

Submission:

Ambry Genetics
Classification: Uncertain significance for Cardiovascular phenotype. Last evaluated: 2025-04-30. Review status: criteria provided, single submitter. Criteria: Ambry Variant Classification Scheme 2023. Collection method: clinical testing. Allele origin: germline.
Comment: The p.L1353F variant (also known as c.4059G>T), located in coding exon 28 of the ABCA1 gene, results from a G to T substitution at nucleotide position 4059. The leucine at codon 1353 is replaced by phenylalanine, an amino acid with highly similar properties. This amino acid position is conserved. In addition, this alteration is predicted to be deleterious by in silico analysis. Based on the available evidence, the clinical significance of this variant remains unclear.